The following is an entry in ClinVar:

ClinVar aggregate classification (germline): Pathogenic (1 of 4 stars; one submission).

Conditions:
Spermatogenic failure 18. Identifiers: MedGen C4539783, MONDO:0054615, OMIM 617576.
Ciliary dyskinesia, primary, 37 (CILD37). Also called: CILIARY DYSKINESIA, PRIMARY, 37, WITH OR WITHOUT SITUS INVERSUS. Identifiers: MedGen C4539798, MONDO:0033204, OMIM 617577.

Submission:

Labcorp Genetics (formerly Invitae), Labcorp
Classification: Pathogenic for Ciliary dyskinesia, primary, 37; Spermatogenic failure 18. Last evaluated: 2022-10-26. Review status: criteria provided, single submitter. Criteria: Invitae Variant Classification Sherloc (09022015). Collection method: clinical testing. Allele origin: germline.
Comment: For these reasons, this variant has been classified as Pathogenic. This variant has not been reported in the literature in individuals affected with DNAH1-related conditions. This variant is not present in population databases (gnomAD no frequency). This sequence change creates a premature translational stop signal (p.Gln1195*) in the DNAH1 gene. It is expected to result in an absent or disrupted protein product. Loss-of-function variants in DNAH1 are known to be pathogenic (PMID: 27573432, 27798045).

Literature cited by the submitters: PubMed 27573432; PubMed 27798045.

NM_015512.5(DNAH1):c.3583C>T (p.Gln1195Ter)

Gene: DNAH1 (dynein axonemal heavy chain 1; plus strand). Cytogenetic location: 3p21.1.
Variant type: single nucleotide variant.
Coding change: c.3583C>T on transcript NM_015512.5 (MANE Select); coding-DNA position 3583, C replaced by T.
Protein change: p.Gln1195Ter; replaces glutamine 1195 with a stop codon.
Molecular consequence: nonsense.
Genome position (GRCh38, 1-based): chr3:52,354,945, C>T. VCF-style: chr3-52354945-C-T. GRCh37 (hg19) VCF-style: chr3-52388961-C-T.
Other names: short protein forms Q1195*.
Identifiers: ClinVar variation 2036895 (VCV002036895.4), dbSNP rs2471193161, ClinGen allele CA353116883.